The following is an entry in ClinVar:

ClinVar aggregate classification (germline): Likely pathogenic (1 of 4 stars; one submission).

Conditions:
Infantile liver failure syndrome 3. Identifiers: MedGen C5231437, MONDO:0032844, OMIM 618641.

Submission:

Juno Genomics, Hangzhou Juno Genomics, Inc
Classification: Likely pathogenic for Infantile liver failure syndrome 3. Review status: criteria provided, single submitter. Criteria: ACMG Guidelines, 2015. Collection method: clinical testing. Allele origin: germline.
Comment: Null variant in a gene where loss of function (LOF) is a known mechanism of disease.;Absent from controls (or at extremely low frequency if recessive) in Genome Aggregation Database.

NM_021930.6(RINT1):c.1769_1770del (p.Ser590fs)

Gene: RINT1 (RAD50 interactor 1; plus strand). Cytogenetic location: 7q22.3.
Variant type: Microsatellite.
Coding change: c.1769_1770del on transcript NM_021930.6 (MANE Select); coding-DNA positions 1769 to 1770, 2 bases deleted (CT; older notation c.1769_1770delCT).
Protein change: p.Ser590fs; shifts the reading frame from serine 590.
Molecular consequence: frameshift variant. On other transcripts: non-coding transcript variant (1).
Genome position (GRCh38, 1-based): chr7:105,563,830-105,563,831, CT deleted; deleting any 2 consecutive bases within chr7:105,563,828-105,563,831 gives the same sequence; the c. name uses the placement nearest the transcript's 3' end. VCF-style (leftmost placement, unchanged base first): chr7-105563827-GCT-G. GRCh37 (hg19) VCF-style: chr7-105204274-GCT-G.
Other names: c.1535_1536del, p.Ser512fs (NM_001346599.2); c.746_747del, p.Ser249fs (NM_001346600.2, NM_001346603.2); c.845_846del, p.Ser282fs (NM_001346601.2); short protein forms S590fs, S249fs, S282fs, S512fs.
Identifiers: ClinVar variation 5007128 (VCV005007128.2).